The following is an entry in ClinVar:

NM_001572.5(IRF7):c.1507G>A (p.Ala503Thr)

Gene: IRF7 (interferon regulatory factor 7; minus strand). Cytogenetic location: 11p15.5.
Variant type: single nucleotide variant.
Coding change: c.1507G>A on transcript NM_001572.5 (MANE Select); coding-DNA position 1507, G replaced by A.
Protein change: p.Ala503Thr; replaces alanine 503 with threonine.
Molecular consequence: missense variant.
Genome position (GRCh38, 1-based): chr11:612,650, C>T on the plus strand (G>A on the coding strand, the complement: IRF7 is on the minus strand). VCF-style: chr11-612650-C-T. GRCh37 (hg19) VCF-style: chr11-612650-C-T.
Other names: c.1420G>A, p.Ala474Thr (NM_004029.4); c.1546G>A, p.Ala516Thr (NM_004031.4); short protein forms A503T, A474T, A516T.
Identifiers: ClinVar variation 3861271 (VCV003861271.2).

ClinVar aggregate classification (germline): Uncertain significance. Review status: criteria provided, multiple submitters, no conflicts (2 of 4 stars). 2 submissions from 2 submitters: Uncertain significance (2). Last evaluated 2025-10-14.

Conditions:
Immunodeficiency 39 (IMD39). Identifiers: Orphanet 574918, MedGen C4225358, MONDO:0014597, OMIM 616345.

Submissions (2):

Labcorp Genetics (formerly Invitae), Labcorp
Classification: Uncertain significance for Immunodeficiency 39. Last evaluated: 2025-10-14. Review status: criteria provided, single submitter. Criteria: Invitae Variant Classification Sherloc (09022015). Collection method: clinical testing. Allele origin: germline.
Comment: This sequence change replaces alanine, which is neutral and non-polar, with threonine, which is neutral and polar, at codon 516 of the IRF7 protein (p.Ala516Thr). This variant is present in population databases (rs140470055, gnomAD 0.02%). This variant has not been reported in the literature in individuals affected with IRF7-related conditions. ClinVar contains an entry for this variant (Variation ID: 3861271). An algorithm developed to predict the effect of missense changes on protein structure and function (PolyPhen-2) suggests that this variant is likely to be disruptive. In summary, the available evidence is currently insufficient to determine the role of this variant in disease. Therefore, it has been classified as a Variant of Uncertain Significance.

Ambry Genetics
Classification: Uncertain significance. Last evaluated: 2025-01-26. Review status: criteria provided, single submitter. Criteria: Ambry Variant Classification Scheme 2023. Collection method: clinical testing. Allele origin: germline.